The following is an entry in ClinVar:

ClinVar aggregate classification (germline): Conflicting classifications of pathogenicity. Review status: criteria provided, conflicting classifications (1 of 4 stars). 3 submissions from 3 submitters: Uncertain significance (1); Likely benign (2). Last evaluated 2025-04-09.

Conditions:
Cardiovascular phenotype. Identifiers: MedGen CN230736.

Allele frequency attached by ClinVar (database versions not stated): ExAC 0.00001; gnomAD 0.00001; gnomAD exomes 0.00001 and 0.00004; TOPMed 0.00003.
gnomAD v4.1: 58 of 1,612,832 alleles (0.0036%); highest among the groups gnomAD compares: East Asian, 0.036%; no homozygotes.

Submissions (3):

Molecular Diagnostic Laboratory for Inherited Cardiovascular Disease, Montreal Heart Institute
Classification: Likely benign. Last evaluated: 2025-04-09. Review status: criteria provided, single submitter. Criteria: ACMG Guidelines, 2015. Collection method: clinical testing. Allele origin: germline. Affected: no.

Ambry Genetics
Classification: Uncertain significance for Cardiovascular phenotype. Last evaluated: 2019-05-29. Review status: criteria provided, single submitter. Criteria: Ambry Variant Classification Scheme 2023. Collection method: clinical testing. Allele origin: germline.
Comment: The p.A10873T variant (also known as c.32617G>A), located in coding exon 129 of the TTN gene, results from a G to A substitution at nucleotide position 32617. The alanine at codon 10873 is replaced by threonine, an amino acid with similar properties. This amino acid position is well conserved in available vertebrate species. In addition, this alteration is predicted to be tolerated by in silico analysis. Since supporting evidence is limited at this time, the clinical significance of this alteration remains unclear.

GeneDx
Classification: Likely benign. Last evaluated: 2018-04-10. Review status: criteria provided, single submitter. Criteria: GeneDx Variant Classification (06012015). Collection method: clinical testing. Allele origin: germline. Affected: yes.
Comment: This variant is considered likely benign or benign based on one or more of the following criteria: it is a conservative change, it occurs at a poorly conserved position in the protein, it is predicted to be benign by multiple in silico algorithms, and/or has population frequency not consistent with disease.

NM_001267550.2(TTN):c.59812G>A (p.Ala19938Thr)

Genes: TTN (titin; minus strand), TTN-AS1 (TTN antisense RNA 1; plus strand), LOC126806424 (CDK7 strongly-dependent group 2 enhancer GRCh37_chr2:179456337-179457536; plus strand). Cytogenetic location: 2q31.2.
Variant type: single nucleotide variant.
Coding change: c.59812G>A on transcript NM_001267550.2 (MANE Select); coding-DNA position 59812, G replaced by A.
Protein change: p.Ala19938Thr; replaces alanine 19938 with threonine.
Molecular consequence: missense variant.
Genome position (GRCh38, 1-based): chr2:178,592,092, C>T on the plus strand (G>A on the coding strand, the complement: TTN is on the minus strand). VCF-style: chr2-178592092-C-T. GRCh37 (hg19) VCF-style: chr2-179456819-C-T.
Other names: c.54889G>A, p.Ala18297Thr (NM_001256850.1); c.32617G>A, p.Ala10873Thr (NM_003319.4); c.52108G>A, p.Ala17370Thr (NM_133378.4); c.32992G>A, p.Ala10998Thr (NM_133432.3); c.33193G>A, p.Ala11065Thr (NM_133437.4); short protein forms A10998T, A18297T, A11065T, A10873T, A17370T, A19938T.
Identifiers: ClinVar variation 682164 (VCV000682164.4), dbSNP rs755204306, ClinGen allele CA1992602.